The following is an entry in ClinVar:

NM_003140.3(SRY):c.313G>A (p.Glu105Lys)

Gene: SRY (sex determining region Y; minus strand). Cytogenetic location: Yp11.2.
Variant type: single nucleotide variant.
Coding change: c.313G>A on transcript NM_003140.3 (MANE Select); coding-DNA position 313, G replaced by A.
Protein change: p.Glu105Lys; replaces glutamic acid 105 with lysine.
Molecular consequence: missense variant.
Genome position (GRCh38, 1-based): chrY:2,787,291, C>T on the plus strand (G>A on the coding strand, the complement: SRY is on the minus strand). VCF-style: chrY-2787291-C-T. GRCh37 (hg19) VCF-style: chrY-2655332-C-T.
Other names: p.Glu105Lys; short protein forms E105K.
Identifiers: ClinVar variation 1338445 (VCV001338445.5), dbSNP rs2124486069, ClinGen allele CA414941309.

ClinVar aggregate classification (germline): Conflicting classifications of pathogenicity. Review status: criteria provided, conflicting classifications (1 of 4 stars). 2 submissions from 2 submitters: Likely pathogenic (1); Uncertain significance (1). Last evaluated 2026-09-29.

Conditions:
46,XY partial gonadal dysgenesis. Identifiers: Orphanet 251510, MedGen C4510744, MONDO:0016674.

Submissions (2):

Laboratoire de Cytologie Clinique, Cytogénétique, Biologie de La Reproduction Et Du Développement Humain, Hôpital Aristide Le Dantec
Classification: Likely pathogenic for 46,XY partial gonadal dysgenesis. Last evaluated: 2026-09-29. Review status: criteria provided, single submitter. Criteria: ACMG Guidelines, 2015. Collection method: research. Allele origin: germline. Inheritance: Y-linked inheritance. Affected: yes. Observed: 1 variant allele, 1 hemizygote.
Comment: The variant is located within the highly conserved HMG domain of SRY, which plays a critical role in DNA binding and testis determination. The variant was not reported in gnomAD v2.1.1 or dbSNP at the time of the study. Five in silico prediction tools consistently suggested a deleterious effect: PolyPhen-2 (0.994, probably damaging), Meta-SNP (0.719, disease-associated), PhD-SNP (0.895, disease-associated), PANTHER (0.635, disease-associated), and PROVEAN (-3.891, deleterious). The concordance between the clinical phenotype, the location within a functionally important domain, and the computational predictions supports a potentially pathogenic role for this variant. These findings provide evidence in favor of pathogenicity, although the final classification should be based on the combined evidence under ACMG/AMP guidelines.

Genetic Services Laboratory, University of Chicago
Classification: Uncertain significance. Last evaluated: 2018-09-17. Review status: criteria provided, single submitter. Criteria: ACMG Guidelines, 2015. Collection method: clinical testing. Allele origin: germline. Affected: no.

Literature cited by the submitters: DOI 10.11648/j.ijgg.20231103.12 (cited by Laboratoire de Cytologie Clinique, Cytogénétique, Biologie de La Reproduction Et Du Développement Humain, Hôpital Aristide Le Dantec); DOI 10.4236/ojgen.2023.132005 (cited by Laboratoire de Cytologie Clinique, Cytogénétique, Biologie de La Reproduction Et Du Développement Humain, Hôpital Aristide Le Dantec).